The following is an entry in ClinVar:

ClinVar aggregate classification (germline): Pathogenic. Review status: criteria provided, multiple submitters, no conflicts (2 of 4 stars). 2 submissions from 2 submitters: Pathogenic (2). Last evaluated 2025-01-20.

Conditions:
Cardiovascular phenotype. Identifiers: MedGen CN230736.
Hereditary cancer-predisposing syndrome. Also called: Tumor predisposition; Neoplastic Syndromes, Hereditary; Hereditary Cancer Syndrome; Hereditary neoplastic syndrome. Identifiers: Orphanet 140162, MedGen C0027672, MeSH D009386, MONDO:0015356.

Submissions (2):

Labcorp Genetics (formerly Invitae), Labcorp
Classification: Pathogenic. Last evaluated: 2025-01-20. Review status: criteria provided, single submitter. Criteria: Invitae Variant Classification Sherloc (09022015). Collection method: clinical testing. Allele origin: germline.
Comment: This sequence change creates a premature translational stop signal (p.Arg340Profs*10) in the LZTR1 gene. It is expected to result in an absent or disrupted protein product. Loss-of-function variants in LZTR1 are known to be pathogenic (PMID: 24362817, 25335493, 25480913, 25795793, 29469822, 30368668, 30442762, 30442766, 30481304, 30859559). This variant is not present in population databases (gnomAD no frequency). This variant has not been reported in the literature in individuals affected with LZTR1-related conditions. For these reasons, this variant has been classified as Pathogenic.

Ambry Genetics
Classification: Pathogenic for Cardiovascular phenotype; Hereditary cancer-predisposing syndrome. Last evaluated: 2024-01-31. Review status: criteria provided, single submitter. Criteria: Ambry Variant Classification Scheme 2023. Collection method: clinical testing. Allele origin: germline.
Comment: The c.1019_1022delGAGC pathogenic mutation, located in coding exon 10 of the LZTR1 gene, results from a deletion of 4 nucleotides at nucleotide positions 1019 to 1022, causing a translational frameshift with a predicted alternate stop codon (p.R340Pfs*10). This variant is considered to be rare based on population cohorts in the Genome Aggregation Database (gnomAD). This alteration is expected to result in loss of function by premature protein truncation or nonsense-mediated mRNA decay. Loss-of-function variants in LZTR1 are related to an increased risk for schwannomas and autosomal recessive Noonan syndrome; however, such associations with autosomal dominant Noonan syndrome have not been observed (Piotrowski A et al. Nat Genet. 2014 Feb;46:182-7; Yamamoto GL et al. J Med Genet. 2015 Jun;52:413-21; Johnston JJ et al. Genet Med. 2018 10;20:1175-1185). Based on the supporting evidence, this variant is pathogenic for an increased risk of LZTR1-related schwannomatosis (SWN) and would be expected to cause autosomal recessive Noonan syndrome when present along with a second pathogenic or likely pathogenic variant on the other allele; however, the association of this alteration with autosomal dominant Noonan syndrome is unlikely.

Literature cited by the submitters: PubMed 24362817 (cited by Labcorp Genetics (formerly Invitae), Labcorp); PubMed 25335493 (cited by Labcorp Genetics (formerly Invitae), Labcorp); PubMed 25480913 (cited by Labcorp Genetics (formerly Invitae), Labcorp); PubMed 25795793 (cited by Labcorp Genetics (formerly Invitae), Labcorp); PubMed 29469822 (cited by Labcorp Genetics (formerly Invitae), Labcorp); PubMed 30368668 (cited by Labcorp Genetics (formerly Invitae), Labcorp); PubMed 30442762 (cited by Labcorp Genetics (formerly Invitae), Labcorp); PubMed 30442766 (cited by Labcorp Genetics (formerly Invitae), Labcorp); PubMed 30481304 (cited by Labcorp Genetics (formerly Invitae), Labcorp); PubMed 30859559 (cited by Labcorp Genetics (formerly Invitae), Labcorp).

NM_006767.4(LZTR1):c.1019_1022del (p.Arg340fs)

Gene: LZTR1 (leucine zipper like post translational regulator 1; plus strand). Cytogenetic location: 22q11.21.
Variant type: Microsatellite.
Coding change: c.1019_1022del on transcript NM_006767.4 (MANE Select); coding-DNA positions 1019 to 1022, 4 bases deleted (GAGC; older notation c.1019_1022delGAGC).
Protein change: p.Arg340fs; shifts the reading frame from arginine 340.
Molecular consequence: frameshift variant.
Genome position (GRCh38, 1-based): chr22:20,992,239-20,992,242, GAGC deleted; deleting any 4 consecutive bases within chr22:20,992,234-20,992,242 gives the same sequence; the c. name uses the placement nearest the transcript's 3' end. VCF-style (leftmost placement, unchanged base first): chr22-20992233-CCGAG-C. GRCh37 (hg19) VCF-style: chr22-21346522-CCGAG-C.
Other names: c.1019_1022delGAGC (NM_006767.3); short protein forms R340fs.
Identifiers: ClinVar variation 1453837 (VCV001453837.7), dbSNP rs2147965393, ClinGen allele CA2577656101.
Genomic context (GRCh38, chr22:20,992,233, plus strand): 5'-CTTGCCAACTGGTCTCATGCCCATGTGTCTCCCCTCTTCAGGTTGGTGGGGCTGAAGTGC[CCGAG>C]CGAGCCTGTGCTTCCGAGGAGGTGCCCACCCTGACCTATGAGGAGCGGGTTGGCTTCAAG-3'